The following is an entry in ClinVar:

NM_000038.6(APC):c.1959-1G>A

Gene: APC (APC regulator of Wnt signaling pathway; plus strand). Cytogenetic location: 5q22.2.
Variant type: single nucleotide variant.
Coding change: c.1959-1G>A on transcript NM_000038.6 (MANE Select); the canonical splice acceptor site of the intron before coding-DNA position 1959, G replaced by A.
Molecular consequence: splice acceptor variant.
Genome position (GRCh38, 1-based): chr5:112,837,552, G>A. VCF-style: chr5-112837552-G-A. GRCh37 (hg19) VCF-style: chr5-112173249-G-A.
Other names: c.1710-1G>A (NM_001407456.1, NM_001407457.1, NM_001407455.1 and 1 more transcripts); c.1656-1G>A (NM_001407460.1, NM_001407458.1, NM_001407459.1 and 1 more transcripts); c.1929-1G>A (NM_001407452.1); c.1572-1G>A (NM_001407469.1, NM_001407467.1); c.2043-1G>A (NM_001407446.1); c.1989-1G>A (NM_001354897.2); c.1686-1G>A (NM_001354902.2); c.1905-1G>A (NM_001127511.3); and 11 more.
Identifiers: ClinVar variation 217939 (VCV000217939.20), dbSNP rs863225321, ClinGen allele CA279751.

ClinVar aggregate classification (germline): Pathogenic/Likely pathogenic. Review status: criteria provided, multiple submitters, no conflicts (2 of 4 stars). 4 submissions from 4 submitters: Pathogenic (1); Likely pathogenic (2). 1 of the submissions does not count toward it. Last evaluated 2025-12-23.

Conditions:
Familial adenomatous polyposis 1 (FAP1). Also called: POLYPOSIS, ADENOMATOUS INTESTINAL; FAMILIAL ADENOMATOUS POLYPOSIS 1, ATTENUATED. Identifiers: MedGen C2713442, MONDO:0021056, OMIM 175100. Disease mechanism: loss of function.
Hereditary cancer-predisposing syndrome. Also called: Tumor predisposition; Hereditary neoplastic syndrome; Hereditary Cancer Syndrome; Neoplastic Syndromes, Hereditary. Identifiers: Orphanet 140162, MedGen C0027672, MeSH D009386, MONDO:0015356.

Submissions (4):

Ambry Genetics
Classification: Pathogenic for Hereditary cancer-predisposing syndrome. Last evaluated: 2025-12-23. Review status: criteria provided, single submitter. Criteria: Ambry Variant Classification Scheme 2023. Collection method: clinical testing. Allele origin: germline.
Comment: The c.1959-1G>A intronic pathogenic mutation results from a G to A substitution one nucleotide upstream from coding exon 15 of the APC gene. This variant has been identified in individuals with familial adenomatous polyposis (Ambry internal data; Lagarde A et al. J Med Genet 2010 Oct;47(10):721-2.). This nucleotide position is highly conserved in available vertebrate species. In silico splice site analysis predicts that this alteration will weaken the native splice acceptor site and may result in the creation or strengthening of a novel splice acceptor site. RNA studies have demonstrated that this alteration results in abnormal splicing in the set of samples tested (Ambry internal data). This variant is considered to be rare based on population cohorts in the Genome Aggregation Database (gnomAD). Based on the supporting evidence, this variant is interpreted as a disease-causing mutation.

Labcorp Genetics (formerly Invitae), Labcorp
Classification: Likely pathogenic for Familial adenomatous polyposis 1. Last evaluated: 2025-03-18. Review status: criteria provided, single submitter. Criteria: Invitae Variant Classification Sherloc (09022015). Collection method: clinical testing. Allele origin: germline.
Comment: This sequence change affects an acceptor splice site in intron 15 of the APC gene. It is expected to disrupt RNA splicing. Variants that disrupt the donor or acceptor splice site typically lead to a loss of protein function (PMID: 16199547), and loss-of-function variants in APC are known to be pathogenic (PMID: 17963004, 20685668). This variant is not present in population databases (gnomAD no frequency). Disruption of this splice site has been observed in individual(s) with familial adenomatous polyposis (PMID: 20685668). ClinVar contains an entry for this variant (Variation ID: 217939). Studies have shown that disruption of this splice site is associated with inconclusive levels of altered splicing (internal data). In summary, the currently available evidence indicates that the variant is pathogenic, but additional data are needed to prove that conclusively. Therefore, this variant has been classified as Likely Pathogenic.

Myriad Genetics, Inc.
Classification: Likely pathogenic for Familial adenomatous polyposis 1. Last evaluated: 2023-05-03. Review status: criteria provided, single submitter. Criteria: Myriad Autosomal Dominant, Autosomal Recessive and X-Linked Classification Criteria (2023). Collection method: clinical testing. Allele origin: unknown.
Comment: This variant is considered likely pathogenic. This variant occurs within a consensus splice junction and is predicted to result in abnormal mRNA splicing of either an out-of-frame exon or an in-frame exon necessary for protein stability and/or normal function.

Mayo Clinic Laboratories, Mayo Clinic
Classification: Pathogenic. Review status: no assertion criteria provided. Collection method: research. Allele origin: unknown. Observed: 2 variant alleles. Not counted in ClinVar's aggregate classification.

Literature cited by the submitters: PubMed 16199547 (cited by Labcorp Genetics (formerly Invitae), Labcorp); PubMed 17963004 (cited by Labcorp Genetics (formerly Invitae), Labcorp); PubMed 20685668 (cited by Labcorp Genetics (formerly Invitae), Labcorp).